The following is an entry in ClinVar:

ClinVar aggregate classification (germline): Uncertain significance (1 of 4 stars; one submission).

Conditions:
Symmetrical dyschromatosis of extremities (DSH). Also called: RETICULATE ACROPIGMENTATION OF DOHI; SYMMETRIC DYSCHROMATOSIS OF THE EXTREMITIES; Dyschromatosis symmetrica hereditaria; DYSCHROMATOSIS SYMMETRICA HEREDITARIA 1. Identifiers: Orphanet 41, MedGen C0406775, MONDO:0007483, OMIM 127400.
Aicardi-Goutieres syndrome 6 (AGS6). Identifiers: Orphanet 51, MedGen C3539013, MONDO:0014007, OMIM 615010.

Allele frequency attached by ClinVar (database versions not stated): gnomAD exomes below 0.00001; TOPMed below 0.00001.
gnomAD v4.1: 4 of 1,613,894 alleles (0.00025%); highest among the groups gnomAD compares: East Asian, 0.0022%; no homozygotes.

Submission:

Labcorp Genetics (formerly Invitae), Labcorp
Classification: Uncertain significance for Aicardi-Goutieres syndrome 6; Symmetrical dyschromatosis of extremities. Last evaluated: 2022-03-04. Review status: criteria provided, single submitter. Criteria: Invitae Variant Classification Sherloc (09022015). Collection method: clinical testing. Allele origin: germline.
Comment: In summary, the available evidence is currently insufficient to determine the role of this variant in disease. Therefore, it has been classified as a Variant of Uncertain Significance. Algorithms developed to predict the effect of missense changes on protein structure and function (SIFT, PolyPhen-2, Align-GVGD) all suggest that this variant is likely to be disruptive. Studies have shown that this missense change alters ADAR gene expression (PMID: 24950769). This missense change has been observed in individual(s) with dyschromatosis symmetrica hereditaria (PMID: 24950769). This variant is not present in population databases (gnomAD no frequency). This sequence change replaces arginine, which is basic and polar, with cysteine, which is neutral and slightly polar, at codon 1001 of the ADAR protein (p.Arg1001Cys).

Literature cited by the submitters: PubMed 24950769.

NM_001111.5(ADAR):c.3001C>T (p.Arg1001Cys)

Gene: ADAR (adenosine deaminase RNA specific; minus strand). Cytogenetic location: 1q21.3.
Variant type: single nucleotide variant.
Coding change: c.3001C>T on transcript NM_001111.5 (MANE Select); coding-DNA position 3001, C replaced by T.
Protein change: p.Arg1001Cys; replaces arginine 1001 with cysteine.
Molecular consequence: missense variant.
Genome position (GRCh38, 1-based): chr1:154,588,143, G>A on the plus strand (C>T on the coding strand, the complement: ADAR is on the minus strand). VCF-style: chr1-154588143-G-A. GRCh37 (hg19) VCF-style: chr1-154560619-G-A.
Other names: c.2116C>T, p.Arg706Cys (NM_001025107.3, NM_001193495.2, NM_001365046.1 and 2 more transcripts); c.3028C>T, p.Arg1010Cys (NM_001365045.1); c.2038C>T, p.Arg680Cys (NM_001365049.1); c.2923C>T, p.Arg975Cys (NM_015840.4); c.2866C>T, p.Arg956Cys (NM_015841.4); short protein forms R1001C, R1010C, R680C, R706C, R975C, R956C.
Identifiers: ClinVar variation 2196340 (VCV002196340.4), dbSNP rs1696885868, ClinGen allele CA342635956.